The following is an entry in ClinVar:

ClinVar aggregate classification (germline): Uncertain significance. Review status: criteria provided, multiple submitters, no conflicts (2 of 4 stars). 2 submissions from 2 submitters: Uncertain significance (2). Last evaluated 2024-08-01.

Conditions:
Epidermolysis bullosa simplex 3, localized or generalized intermediate, with BP230 deficiency (EBS3). Also called: Epidermolysis bullosa simplex, autosomal recessive 2; Epidermolysis bullosa simplex due to BP230 deficiency. Identifiers: Orphanet 412181, MedGen C3809470, MONDO:0014180, OMIM 615425.
Hereditary sensory and autonomic neuropathy type 6. Also called: HSAN VI; Neuropathy, hereditary sensory and autonomic, type VI. Identifiers: Orphanet 314381, MedGen C3539003, MONDO:0013839, OMIM 614653.

Allele frequency attached by ClinVar (database versions not stated): gnomAD 0.00001; gnomAD exomes 0.00001; TOPMed 0.00001.
gnomAD v4.1: 15 of 1,613,810 alleles (0.00093%); highest among the groups gnomAD compares: Non-Finnish European, 0.0011%; no homozygotes.

Submissions (2):

CeGaT Center for Human Genetics Tuebingen
Classification: Uncertain significance. Last evaluated: 2024-08-01. Review status: criteria provided, single submitter. Criteria: CeGaT Center For Human Genetics Tuebingen Variant Classification Criteria Version 2. Collection method: clinical testing. Allele origin: germline. Affected: yes. Observed: 1 variant allele.
Comment: DST: PM2, BP4

Labcorp Genetics (formerly Invitae), Labcorp
Classification: Uncertain significance for Epidermolysis bullosa simplex 3, localized or generalized intermediate, with BP230 deficiency; Hereditary sensory and autonomic neuropathy type 6. Last evaluated: 2022-04-15. Review status: criteria provided, single submitter. Criteria: Invitae Variant Classification Sherloc (09022015). Collection method: clinical testing. Allele origin: germline.
Comment: ClinVar contains an entry for this variant (Variation ID: 841866). In summary, the available evidence is currently insufficient to determine the role of this variant in disease. Therefore, it has been classified as a Variant of Uncertain Significance. Algorithms developed to predict the effect of missense changes on protein structure and function are either unavailable or do not agree on the potential impact of this missense change (SIFT: "Deleterious"; PolyPhen-2: "Benign"; Align-GVGD: "Class C65"). This variant has not been reported in the literature in individuals affected with DST-related conditions. This variant is not present in population databases (gnomAD no frequency). This sequence change replaces leucine, which is neutral and non-polar, with serine, which is neutral and polar, at codon 1921 of the DST protein (p.Leu1921Ser).

NM_001723.7(DST):c.5762T>C (p.Leu1921Ser)

Gene: DST (dystonin; minus strand). Cytogenetic location: 6p12.1.
Variant type: single nucleotide variant.
Coding change: c.5762T>C on transcript NM_001723.7 (MANE Plus Clinical); coding-DNA position 5762, T replaced by C.
Protein change: p.Leu1921Ser; replaces leucine 1921 with serine.
Molecular consequence: missense variant. On other transcripts: intron variant (10).
Genome position (GRCh38, 1-based): chr6:56,618,272, A>G on the plus strand (T>C on the coding strand, the complement: DST is on the minus strand). VCF-style: chr6-56618272-A-G. GRCh37 (hg19) VCF-style: chr6-56483070-A-G.
Other names: c.4831-3788T>C (NM_001144769.5); c.4930-3788T>C (NM_001374722.1, NM_001374736.1); c.4957-3788T>C (NM_001374734.1); c.4417-3788T>C (NM_001144770.2); c.4297-3788T>C (NM_001374730.1, NM_001386100.1, NM_183380.4 and 1 more transcripts); c.3319-3788T>C (NM_015548.5); short protein forms L1921S.
Identifiers: ClinVar variation 841866 (VCV000841866.26), dbSNP rs777300713, ClinGen allele CA139208772.